The following is an entry in ClinVar:

NM_016592.5(GNAS):c.23A>C (p.Gln8Pro)

Genes: GNAS (GNAS complex locus; plus strand), GNAS-AS1 (GNAS antisense RNA 1; minus strand). Cytogenetic location: 20q13.32.
Variant type: single nucleotide variant.
Coding change: c.23A>C on transcript NM_016592.5 (MANE Plus Clinical); coding-DNA position 23, A replaced by C.
Protein change: p.Gln8Pro; replaces glutamine 8 with proline.
Molecular consequence: missense variant. On other transcripts: genic upstream transcript variant (1), 5 prime UTR variant (1).
Genome position (GRCh38, 1-based): chr20:58,840,129, A>C. VCF-style: chr20-58840129-A-C. GRCh37 (hg19) VCF-style: chr20-57415184-A-C.
Other names: c.-51598A>C (NM_000516.7); c.-715A>C (NM_001410912.1); short protein forms Q8P.
Identifiers: ClinVar variation 3029991 (VCV003029991.3), dbSNP rs1225314176, ClinGen allele CA409450574.
Genomic context (GRCh38, chr20:58,840,129, plus strand): 5'-CAGAGGGCAGGCCGGCTTCTCGGTGTGTGCCTAAGAGGATGGATCGGAGGTCCCGGGCTC[A>C]GCAGTGGCGCCGAGCTCGCCATAATTACAACGACCTGTGCCCGCCCATAGGCCGCCGGGC-3'
Protein context (NP_057676.1, residues 1-18): MDRRSRA[Gln8Pro]QWRRARHNYN

ClinVar aggregate classification (germline): Uncertain significance. Review status: criteria provided, single submitter (1 of 4 stars). 2 submissions from 2 submitters: Uncertain significance (1). 1 of the submissions does not count toward it. Last evaluated 2025-11-26.

Conditions:
GNAS-related disorder. Identifiers: MedGen CN380105.

Allele frequency attached by ClinVar (database versions not stated): gnomAD 0.00003.
gnomAD v4.1: 17 of 1,611,348 alleles (0.0011%); highest among the groups gnomAD compares: Non-Finnish European, 0.0014%; no homozygotes.

Submissions (2):

Women's Health and Genetics/Laboratory Corporation of America, LabCorp
Classification: Uncertain significance. Last evaluated: 2025-11-26. Review status: criteria provided, single submitter. Criteria: LabCorp Variant Classification Summary - May 2015. Collection method: clinical testing. Allele origin: germline.
Comment: Variant summary: GNAS NM_016592.5 c.23A>C (p.Gln8Pro) results in a non-conservative amino acid change in the encoded protein sequence. Algorithms developed to predict the effect of missense changes on protein structure and function are either unavailable or do not agree on the potential impact of this missense change. This variant is also annotated as GNAS NM_000516.7 c.-51598A>C and located in the untranscribed region upstream of the GNAS gene region. The variant allele was found at a frequency of 4.1e-06 in 245688 control chromosomes. The available data on variant occurrences in the general population are insufficient to allow any conclusion about variant significance. To our knowledge, no occurrence of c.23A>C (c.-51598A>C) in individuals affected with GNAS-related conditions and no experimental evidence demonstrating its impact on protein function have been reported. ClinVar contains an entry for this variant (Variation ID: 3029991). Based on the evidence outlined above, the variant was classified as uncertain significance.

PreventionGenetics, part of Exact Sciences
Classification: Uncertain significance for GNAS-related condition. Last evaluated: 2023-12-12. Review status: no assertion criteria provided. Collection method: clinical testing. Allele origin: germline. Not counted in ClinVar's aggregate classification.
Comment: The GNAS c.23A>C variant is predicted to result in the amino acid substitution p.Gln8Pro. In the more commonly reported transcript (NM_000516.5) this variant is pre-coding (c.-51598A>C). To our knowledge, this variant has not been reported in the literature. This variant is reported in 0.00090% of alleles in individuals of European (Non-Finnish) descent in gnomAD. At this time, the clinical significance of this variant is uncertain due to the absence of conclusive functional and genetic evidence.